The following is an entry in ClinVar:

NM_000051.4(ATM):c.1327C>T (p.Leu443=)

Gene: ATM (ATM serine/threonine kinase; plus strand). Cytogenetic location: 11q22.3.
Variant type: single nucleotide variant.
Coding change: c.1327C>T on transcript NM_000051.4 (MANE Select); coding-DNA position 1327, C replaced by T.
Protein change: p.Leu443=; no amino-acid change (leucine 443 retained).
Molecular consequence: synonymous variant.
Genome position (GRCh38, 1-based): chr11:108,250,792, C>T. VCF-style: chr11-108250792-C-T. GRCh37 (hg19) VCF-style: chr11-108121519-C-T.
Other names: c.1327C>T, p.Leu443= (NM_001351834.2).
Identifiers: ClinVar variation 391677 (VCV000391677.9), dbSNP rs1057524185, ClinGen allele CA16606025.

ClinVar aggregate classification (germline): Benign/Likely benign. Review status: criteria provided, multiple submitters, no conflicts (2 of 4 stars). 4 submissions from 4 submitters: Benign (1); Likely benign (3). Last evaluated 2026-07-10.

Conditions:
Familial cancer of breast. Also called: BREAST CANCER, FAMILIAL; hereditary breast carcinoma; Hereditary breast cancer. Identifiers: Orphanet 227535, MedGen C0346153, MONDO:0016419, OMIM 114480. Disease mechanism: loss of function.
Hereditary cancer-predisposing syndrome. Also called: Neoplastic Syndromes, Hereditary; Hereditary Cancer Syndrome; Tumor predisposition; Hereditary neoplastic syndrome. Identifiers: Orphanet 140162, MedGen C0027672, MeSH D009386, MONDO:0015356.
Ataxia-telangiectasia syndrome (AT). Also called: Cerebello-oculocutaneous telangiectasia; Immunodeficiency with ataxia telangiectasia; LOUIS-BAR SYNDROME; Ataxia-telangiectasia, complementation group E; Ataxia-telangiectasia; ATAXIA-TELANGIECTASIA, COMPLEMENTATION GROUP A. Identifiers: Orphanet 100, MedGen C0004135, MONDO:0008840, OMIM 208900.

Allele frequency attached by ClinVar (database versions not stated): TOPMed 0.00001.
gnomAD v4.1: 1 of 1,613,444 alleles (0.000062%); highest among the groups gnomAD compares: African/African-American, 0.0013%; no homozygotes.

Submissions (4):

Ambry Genetics
Classification: Likely benign for Hereditary cancer-predisposing syndrome. Last evaluated: 2026-07-10. Review status: criteria provided, single submitter. Criteria: Ambry Variant Classification Scheme 2023. Collection method: clinical testing. Allele origin: germline.

Myriad Genetics, Inc.
Classification: Benign for Familial cancer of breast. Last evaluated: 2024-04-26. Review status: criteria provided, single submitter. Criteria: Myriad Autosomal Dominant, Autosomal Recessive and X-Linked Classification Criteria (2023). Collection method: clinical testing. Allele origin: unknown.
Comment: This variant is considered benign. This variant is a silent/synonymous amino acid change and it is not expected to impact splicing.

Labcorp Genetics (formerly Invitae), Labcorp
Classification: Likely benign for Ataxia-telangiectasia syndrome. Last evaluated: 2024-01-10. Review status: criteria provided, single submitter. Criteria: Invitae Variant Classification Sherloc (09022015). Collection method: clinical testing. Allele origin: germline.

GeneDx
Classification: Likely benign. Last evaluated: 2016-12-14. Review status: criteria provided, single submitter. Criteria: GeneDx Variant Classification (06012015). Collection method: clinical testing. Allele origin: germline. Affected: yes.
Comment: This variant is considered likely benign or benign based on one or more of the following criteria: it is a conservative change, it occurs at a poorly conserved position in the protein, it is predicted to be benign by multiple in silico algorithms, and/or has population frequency not consistent with disease.